The following is an entry in ClinVar:

ClinVar aggregate classification (germline): Uncertain significance (1 of 4 stars; one submission).

Conditions:
Familial thoracic aortic aneurysm and aortic dissection (TAAD). Also called: Thoracic aortic aneurysms and dissections. Identifiers: Orphanet 91387, MedGen C4707243, MONDO:0019625.

Submission:

Color Diagnostics, LLC DBA Color Health
Classification: Uncertain significance for Familial thoracic aortic aneurysm and aortic dissection. Last evaluated: 2024-03-06. Review status: criteria provided, single submitter. Criteria: ACMG Guidelines, 2015. Collection method: clinical testing. Allele origin: germline.
Comment: This missense variant replaces valine with leucine at codon 372 of the FBN1 protein. Computational prediction suggests that this variant may not impact protein structure and function (internally defined REVEL score threshold <= 0.5, PMID: 27666373). To our knowledge, functional studies have not been reported for this variant. This variant has not been reported in individuals affected with cardiovascular disorders in the literature. This variant has not been identified in the general population by the Genome Aggregation Database (gnomAD). The available evidence is insufficient to determine the role of this variant in disease conclusively. Therefore, this variant is classified as a Variant of Uncertain Significance.

NM_000138.5(FBN1):c.1114G>C (p.Val372Leu)

Genes: FBN1 (fibrillin 1; minus strand), LOC113939944 (Sharpr-MPRA regulatory region 9539; plus strand). Cytogenetic location: 15q21.1.
Variant type: single nucleotide variant.
Coding change: c.1114G>C on transcript NM_000138.5 (MANE Select); coding-DNA position 1114, G replaced by C.
Protein change: p.Val372Leu; replaces valine 372 with leucine.
Molecular consequence: missense variant.
Genome position (GRCh38, 1-based): chr15:48,520,692, C>G on the plus strand (G>C on the coding strand, the complement: FBN1 is on the minus strand). VCF-style: chr15-48520692-C-G. GRCh37 (hg19) VCF-style: chr15-48812889-C-G.
Other names: short protein forms V372L.
Identifiers: ClinVar variation 1171520 (VCV001171520.3), dbSNP rs2141336011, ClinGen allele CA392347234.
Genomic context (GRCh38, chr15:48,520,692, plus strand): 5'-TCTGCAGATAACTGGAAGGGCTCTTACCGGTTGCTCTGATGGGACACATCTCAGGGGCGA[C>G]AGTGACCCCTGGAGACCAGCATCGGCCGGCATCACAGCAGCACTGCATTTTGGTTATGGA-3'
Protein context (NP_000129.3, residues 362-382): AGRCWSPGVT[Val372Leu]APEMCPIRAT